The following is an entry in ClinVar:

NM_030632.3(ASXL3):c.1454A>G (p.Asn485Ser)

Gene: ASXL3 (ASXL transcriptional regulator 3; plus strand). Cytogenetic location: 18q12.1.
Variant type: single nucleotide variant.
Coding change: c.1454A>G on transcript NM_030632.3 (MANE Select); coding-DNA position 1454, A replaced by G.
Protein change: p.Asn485Ser; replaces asparagine 485 with serine.
Molecular consequence: missense variant.
Genome position (GRCh38, 1-based): chr18:33,738,858, A>G. VCF-style: chr18-33738858-A-G. GRCh37 (hg19) VCF-style: chr18-31318822-A-G.
Other names: short protein forms N485S.
Identifiers: ClinVar variation 210365 (VCV000210365.9), dbSNP rs151027205, ClinGen allele CA209344.

ClinVar aggregate classification (germline): Conflicting classifications of pathogenicity. Review status: criteria provided, conflicting classifications (1 of 4 stars). 4 submissions from 4 submitters: Uncertain significance (1); Benign (2); Likely benign (1). Last evaluated 2026-08-01.

Conditions:
Inborn genetic diseases. Identifiers: MedGen C0950123, MeSH D030342.

Allele frequency attached by ClinVar (database versions not stated): gnomAD exomes 0.00019 and 0.00027; ExAC 0.00027; ESP Exome Variant Server 0.00042; gnomAD 0.00047 and 0.00051; TOPMed 0.00061; 1000 Genomes Project 0.00080; 1000 Genomes Project 30x 0.00109.
gnomAD v4.1: 359 of 1,613,702 alleles (0.022%); highest among the groups gnomAD compares: African/African-American, 0.17%; no homozygotes.

Submissions (4):

CeGaT Center for Human Genetics Tuebingen
Classification: Benign. Last evaluated: 2026-08-01. Review status: criteria provided, single submitter. Criteria: CeGaT Center For Human Genetics Tuebingen Variant Classification Criteria Version 2. Collection method: clinical testing. Allele origin: germline. Affected: yes. Observed: 1 variant allele.
Comment: ASXL3: BS1, BS2

Ambry Genetics
Classification: Likely benign for Inborn genetic diseases. Last evaluated: 2025-04-01. Review status: criteria provided, single submitter. Criteria: Ambry Variant Classification Scheme 2023. Collection method: clinical testing. Allele origin: germline.

GeneDx
Classification: Benign. Last evaluated: 2019-11-15. Review status: criteria provided, single submitter. Criteria: GeneDx Variant Classification Process June 2021. Collection method: clinical testing. Allele origin: germline. Affected: yes.

Genetic Services Laboratory, University of Chicago
Classification: Uncertain significance. Last evaluated: 2015-02-26. Review status: criteria provided, single submitter. Criteria: ACMG Guidelines, 2015. Collection method: clinical testing. Allele origin: germline.